The following is an entry in ClinVar:

NM_002180.3(IGHMBP2):c.1000G>A (p.Glu334Lys)

Gene: IGHMBP2 (immunoglobulin mu DNA binding protein 2; plus strand). Cytogenetic location: 11q13.3.
Variant type: single nucleotide variant.
Coding change: c.1000G>A on transcript NM_002180.3 (MANE Select); coding-DNA position 1000, G replaced by A.
Protein change: p.Glu334Lys; replaces glutamic acid 334 with lysine.
Molecular consequence: missense variant.
Genome position (GRCh38, 1-based): chr11:68,917,823, G>A. VCF-style: chr11-68917823-G-A. GRCh37 (hg19) VCF-style: chr11-68685291-G-A.
Other names: short protein forms E334K.
Identifiers: ClinVar variation 637697 (VCV000637697.10), dbSNP rs1594431740, ClinGen allele CA381644913.
Genomic context (GRCh38, chr11:68,917,823, plus strand): 5'-AGAGAGAAAAGTAATTTTCGAAATGAAATTAAGCTGTTAAGAAAAGAACTGAAGGAGAGG[G>A]AAGAAGCAGCTATGCTCGAGAGCCTCACTTCGGCAAACGTGGTCCTTGCAACAAACACAG-3'
Protein context (NP_002171.2, residues 324-344): KLLRKELKER[Glu334Lys]EAAMLESLTS

ClinVar aggregate classification (germline): Uncertain significance. Review status: criteria provided, single submitter (1 of 4 stars). 2 submissions from 2 submitters: Uncertain significance (1). 1 of the submissions does not count toward it. Last evaluated 2023-08-04.

Conditions:
Neuronopathy, distal hereditary motor, autosomal dominant. Also called: Autosomal dominant distal hereditary motor neuropathy. Identifiers: Orphanet 140465, MedGen C5548212, MONDO:0015362.
Charcot-Marie-Tooth disease axonal type 2S. Also called: CHARCOT-MARIE-TOOTH NEUROPATHY, TYPE 2S; CHARCOT-MARIE-TOOTH DISEASE, AXONAL, AUTOSOMAL RECESSIVE, TYPE 2S. Identifiers: Orphanet 443073, MedGen C4015349, MONDO:0014511, OMIM 616155.
Autosomal recessive distal spinal muscular atrophy 1. Also called: NEURONOPATHY, SEVERE INFANTILE AXONAL, WITH RESPIRATORY FAILURE; SEVERE INFANTILE AXONAL NEUROPATHY WITH RESPIRATORY FAILURE; SPINAL MUSCULAR ATROPHY, DIAPHRAGMATIC; Spinal muscular atrophy with respiratory distress 1; HMN VI; NEURONOPATHY, DISTAL HEREDITARY MOTOR, HARDING TYPE VI. Identifiers: Orphanet 98920, MedGen C1858517, MONDO:0011436, OMIM 604320.

Allele frequency attached by ClinVar (database versions not stated): TOPMed below 0.00001.

Submissions (2):

Labcorp Genetics (formerly Invitae), Labcorp
Classification: Uncertain significance for Autosomal recessive distal spinal muscular atrophy 1; Charcot-Marie-Tooth disease axonal type 2S. Last evaluated: 2023-08-04. Review status: criteria provided, single submitter. Criteria: Invitae Variant Classification Sherloc (09022015). Collection method: clinical testing. Allele origin: germline.
Comment: In summary, the available evidence is currently insufficient to determine the role of this variant in disease. Therefore, it has been classified as a Variant of Uncertain Significance. Advanced modeling of protein sequence and biophysical properties (such as structural, functional, and spatial information, amino acid conservation, physicochemical variation, residue mobility, and thermodynamic stability) has been performed at Invitae for this missense variant, however the output from this modeling did not meet the statistical confidence thresholds required to predict the impact of this variant on IGHMBP2 protein function. ClinVar contains an entry for this variant (Variation ID: 637697). This missense change has been observed in individual(s) with spinal muscular atrophy with respiratory distress (PMID: 14681881). This variant is not present in population databases (gnomAD no frequency). This sequence change replaces glutamic acid, which is acidic and polar, with lysine, which is basic and polar, at codon 334 of the IGHMBP2 protein (p.Glu334Lys).

Inherited Neuropathy Consortium
Classification: Uncertain significance for Autosomal dominant distal hereditary motor neuropathy. Review status: no assertion criteria provided. Collection method: literature only. Allele origin: germline. Affected: yes. Not counted in ClinVar's aggregate classification.

Literature cited by the submitters: PubMed 14681881 (cited by Labcorp Genetics (formerly Invitae), Labcorp and Inherited Neuropathy Consortium).